The following is an entry in ClinVar:

ClinVar aggregate classification (germline): Uncertain significance (1 of 4 stars; one submission).

Submission:

Ambry Genetics
Classification: Uncertain significance. Last evaluated: 2025-06-22. Review status: criteria provided, single submitter. Criteria: Ambry Variant Classification Scheme 2023. Collection method: clinical testing. Allele origin: germline.
Comment: The p.M485V variant (also known as c.1453A>G), located in coding exon 13 of the GEN1 gene, results from an A to G substitution at nucleotide position 1453. The methionine at codon 485 is replaced by valine, an amino acid with highly similar properties. This amino acid position is conserved. In addition, this alteration is predicted to be tolerated by in silico analysis. Based on the available evidence, the clinical significance of this variant remains unclear.

NM_001130009.3(GEN1):c.1453A>G (p.Met485Val)

Gene: GEN1 (GEN1 Holliday junction 5' flap endonuclease; plus strand). Cytogenetic location: 2p24.2.
Variant type: single nucleotide variant.
Coding change: c.1453A>G on transcript NM_001130009.3 (MANE Select); coding-DNA position 1453, A replaced by G.
Protein change: p.Met485Val; replaces methionine 485 with valine.
Molecular consequence: missense variant.
Genome position (GRCh38, 1-based): chr2:17,780,665, A>G. VCF-style: chr2-17780665-A-G. GRCh37 (hg19) VCF-style: chr2-17961932-A-G.
Other names: c.1453A>G, p.Met485Val (NM_182625.5); short protein forms M485V.
Identifiers: ClinVar variation 4262988 (VCV004262988.1).